The following is an entry in ClinVar:

NM_012471.3(TRPC5):c.1238-7del

Gene: TRPC5 (transient receptor potential cation channel subfamily C member 5; minus strand). Cytogenetic location: Xq23.
Variant type: Deletion.
Coding change: c.1238-7del on transcript NM_012471.3 (MANE Select); 7 bases into the intron before coding-DNA position 1238, one base deleted (T; older notation c.1238-7delT).
Molecular consequence: intron variant.
Genome position (GRCh38, 1-based): chrX:111,852,444, A deleted on the plus strand (T on the coding strand, the reverse complement: TRPC5 is on the minus strand); the first of 2 consecutive A bases (chrX:111,852,444-111,852,445); deleting either gives the same sequence. VCF-style (leftmost placement, unchanged base first): chrX-111852443-GA-G. GRCh37 (hg19) VCF-style: chrX-111095671-GA-G.
Identifiers: ClinVar variation 3045855 (VCV003045855.2), dbSNP rs749202110, ClinGen allele CA10494328.
Genomic context (GRCh38, chrX:111,852,443, plus strand): 5'-ATGTATTCAGTAAATCCACCATCCCACATTTCCTTAATCTCACCCCAAATGAAACCTGAA[GA>G]ATGGAGGAAAACAGTTTATTTCTACATAGGGTCAGCCCTGCTCATCATAGAAGGATTCCC-3'

ClinVar aggregate classification (germline): Likely benign (0 of 4 stars; one submission).

Conditions:
TRPC5-related disorder. Also called: TRPC5-related condition.

Submission:

PreventionGenetics, part of Exact Sciences
Classification: Likely benign for TRPC5-related condition. Last evaluated: 2023-03-28. Review status: no assertion criteria provided. Collection method: clinical testing. Allele origin: germline.
Comment: This variant is classified as likely benign based on ACMG/AMP sequence variant interpretation guidelines (Richards et al. 2015 PMID: 25741868, with internal and published modifications).